The following is an entry in ClinVar:

ClinVar aggregate classification (germline): Pathogenic (1 of 4 stars; one submission).

Submission:

Labcorp Genetics (formerly Invitae), Labcorp
Classification: Pathogenic. Last evaluated: 2023-09-03. Review status: criteria provided, single submitter. Criteria: Invitae Variant Classification Sherloc (09022015). Collection method: clinical testing. Allele origin: germline.
Comment: This sequence change creates a premature translational stop signal (p.Leu328Profs*56) in the TULP1 gene. It is expected to result in an absent or disrupted protein product. Loss-of-function variants in TULP1 are known to be pathogenic (PMID: 8606774, 10549638, 15024725, 18055821). This variant is not present in population databases (gnomAD no frequency). This variant has not been reported in the literature in individuals affected with TULP1-related conditions. Algorithms developed to predict the effect of sequence changes on RNA splicing suggest that this variant may create or strengthen a splice site. For these reasons, this variant has been classified as Pathogenic.

Literature cited by the submitters: PubMed 8606774; PubMed 10549638; PubMed 15024725; PubMed 18055821.

NM_003322.6(TULP1):c.982dup (p.Leu328fs)

Gene: TULP1 (TUB like protein 1; minus strand). Cytogenetic location: 6p21.31.
Variant type: Duplication.
Coding change: c.982dup on transcript NM_003322.6 (MANE Select); coding-DNA position 982, one base duplicated (C; older notation c.982dupC).
Protein change: p.Leu328fs; shifts the reading frame from leucine 328.
Molecular consequence: frameshift variant.
Genome position (GRCh38, 1-based): chr6:35,506,020, G duplicated on the plus strand (C on the coding strand, the reverse complement: TULP1 is on the minus strand); the first of 2 consecutive G bases (chr6:35,506,020-35,506,021); duplicating either gives the same sequence. VCF-style (leftmost placement, unchanged base first): chr6-35506019-A-AG. GRCh37 (hg19) VCF-style: chr6-35473796-A-AG.
Other names: c.823dup, p.Leu275fs (NM_001289395.2); short protein forms L275fs, L328fs.
Identifiers: ClinVar variation 2757427 (VCV002757427.3), dbSNP rs2533795738, ClinGen allele CA2697553302.
Genomic context (GRCh38, chr6:35,506,019, plus strand): 5'-CGGATCCCTCCACACTCCCTCCTCTGCTGCCTCTCCCCACCCACCTTCTTCTCCGTGTCC[A>AG]GGTGCAGGAAGTAGGAGGGATACATGCCTCGATCCATGCCCTTTTTGTCCCGGGTCAGCC-3'